The following is an entry in ClinVar:

ClinVar aggregate classification (germline): Uncertain significance (1 of 4 stars; one submission).

gnomAD v4.1: 5 of 1,591,924 alleles (0.00031%); highest among the groups gnomAD compares: Non-Finnish European, 0.00034%; no homozygotes.

Submission:

GeneDx
Classification: Uncertain significance. Last evaluated: 2025-08-14. Review status: criteria provided, single submitter. Criteria: GeneDx Variant Classification Process June 2021. Collection method: clinical testing. Allele origin: germline. Affected: yes.
Comment: Not observed at significant frequency in large population cohorts (gnomAD); In silico analysis suggests that this missense variant does not alter protein structure/function; Has not been previously published as pathogenic or benign to our knowledge

NM_001145809.2(MYH14):c.3848C>A (p.Thr1283Asn)

Gene: MYH14 (myosin heavy chain 14; plus strand). Cytogenetic location: 19q13.33.
Variant type: single nucleotide variant.
Coding change: c.3848C>A on transcript NM_001145809.2 (MANE Select); coding-DNA position 3848, C replaced by A.
Protein change: p.Thr1283Asn; replaces threonine 1283 with asparagine.
Molecular consequence: missense variant.
Genome position (GRCh38, 1-based): chr19:50,278,105, C>A. VCF-style: chr19-50278105-C-A. GRCh37 (hg19) VCF-style: chr19-50781362-C-A.
Other names: c.3749C>A, p.Thr1250Asn (NM_001077186.2); c.3725C>A, p.Thr1242Asn (NM_024729.4); short protein forms T1250N, T1242N, T1283N.
Identifiers: ClinVar variation 4795672 (VCV004795672.1).